The following is an entry in ClinVar:

ClinVar aggregate classification (germline): Conflicting classifications of pathogenicity. Review status: criteria provided, conflicting classifications (1 of 4 stars). 3 submissions from 3 submitters: Uncertain significance (2); Likely benign (1). Last evaluated 2023-03-23.

Conditions:
Hereditary cancer-predisposing syndrome. Also called: Neoplastic Syndromes, Hereditary; Tumor predisposition; Hereditary Cancer Syndrome; Hereditary neoplastic syndrome. Identifiers: Orphanet 140162, MedGen C0027672, MeSH D009386, MONDO:0015356.
Hereditary breast ovarian cancer syndrome. Also called: Hereditary breast and ovarian cancer syndrome; Hereditary breast and ovarian cancer; Hereditary breast and ovarian cancer syndrome (HBOC); Breast and ovarian cancer; Hereditary breast and/or ovarian cancer syndrome; BRCA1- and BRCA2-Associated Hereditary Breast and Ovarian Cancer. Identifiers: Orphanet 145, MedGen C0677776, MeSH D061325, MONDO:0003582. Disease mechanism: loss of function.

Submissions (3):

University of Washington Department of Laboratory Medicine, University of Washington
Classification: Likely benign for Hereditary cancer-predisposing syndrome. Last evaluated: 2023-03-23. Review status: criteria provided, single submitter. Criteria: Dines et al. (Genet Med. 2020). Collection method: curation. Allele origin: germline.
Comment: Missense variant in a coldspot region where missense variants are very unlikely to be pathogenic (PMID:31911673).

BRCA2 exon 11 coldspot. Reclassification based on statistical prior probability.

Labcorp Genetics (formerly Invitae), Labcorp
Classification: Uncertain significance for Hereditary breast ovarian cancer syndrome. Last evaluated: 2022-01-19. Review status: criteria provided, single submitter. Criteria: Invitae Variant Classification Sherloc (09022015). Collection method: clinical testing. Allele origin: germline.
Comment: In summary, the available evidence is currently insufficient to determine the role of this variant in disease. Therefore, it has been classified as a Variant of Uncertain Significance. Advanced modeling of protein sequence and biophysical properties (such as structural, functional, and spatial information, amino acid conservation, physicochemical variation, residue mobility, and thermodynamic stability) performed at Invitae indicates that this missense variant is not expected to disrupt BRCA2 protein function. ClinVar contains an entry for this variant (Variation ID: 481574). This variant has not been reported in the literature in individuals affected with BRCA2-related conditions. This variant is not present in population databases (gnomAD no frequency). This sequence change replaces serine, which is neutral and polar, with proline, which is neutral and non-polar, at codon 1630 of the BRCA2 protein (p.Ser1630Pro).

Ambry Genetics
Classification: Uncertain significance for Hereditary cancer-predisposing syndrome. Last evaluated: 2016-10-11. Review status: criteria provided, single submitter. Criteria: Ambry Variant Classification Scheme 2023. Collection method: clinical testing. Allele origin: germline.
Comment: The p.S1630P variant (also known as c.4888T>C), located in coding exon 10 of the BRCA2 gene, results from a T to C substitution at nucleotide position 4888. The serine at codon 1630 is replaced by proline, an amino acid with similar properties. This variant was not reported in population based cohorts in the following databases: Database of Single Nucleotide Polymorphisms (dbSNP), NHLBI Exome Sequencing Project (ESP), and 1000 Genomes Project. In the ESP, this variant was not observed in 6493 samples (12986 alleles) with coverage at this position. To date, this alteration has been detected with an allele frequency of approximately 0.0003% (greater than 300000 alleles tested) in our clinical cohort. This amino acid position is not well conserved in available vertebrate species. In addition, this alteration is predicted to be tolerated by in silico analysis. Since supporting evidence is limited at this time, the clinical significance of this alteration remains unclear.

NM_000059.4(BRCA2):c.4888T>C (p.Ser1630Pro)

Gene: BRCA2 (BRCA2 DNA repair associated; plus strand). Cytogenetic location: 13q13.1.
Variant type: single nucleotide variant.
Coding change: c.4888T>C on transcript NM_000059.4 (MANE Select); coding-DNA position 4888, T replaced by C.
Protein change: p.Ser1630Pro; replaces serine 1630 with proline.
Molecular consequence: missense variant.
Genome position (GRCh38, 1-based): chr13:32,339,243, T>C. VCF-style: chr13-32339243-T-C. GRCh37 (hg19) VCF-style: chr13-32913380-T-C.
Other names: short protein forms S1630P.
Identifiers: ClinVar variation 481574 (VCV000481574.16), dbSNP rs1555283977, ClinGen allele CA387783515.